The following is an entry in ClinVar:

NM_004444.5(EPHB4):c.329C>G (p.Thr110Ser)

Gene: EPHB4 (EPH receptor B4; minus strand). Cytogenetic location: 7q22.1.
Variant type: single nucleotide variant.
Coding change: c.329C>G on transcript NM_004444.5 (MANE Select); coding-DNA position 329, C replaced by G.
Protein change: p.Thr110Ser; replaces threonine 110 with serine.
Molecular consequence: missense variant.
Genome position (GRCh38, 1-based): chr7:100,823,726, G>C on the plus strand (C>G on the coding strand, the complement: EPHB4 is on the minus strand). VCF-style: chr7-100823726-G-C. GRCh37 (hg19) VCF-style: chr7-100421348-G-C.
Other names: short protein forms T110S.
Identifiers: ClinVar variation 1729923 (VCV001729923.3), dbSNP rs758680146, ClinGen allele CA4393340.

ClinVar aggregate classification (germline): Uncertain significance. Review status: criteria provided, multiple submitters, no conflicts (2 of 4 stars). 2 submissions from 2 submitters: Uncertain significance (2). Last evaluated 2026-01-16.

Conditions:
Cardiovascular phenotype. Identifiers: MedGen CN230736.

Allele frequency attached by ClinVar (database versions not stated): ExAC 0.00001; gnomAD exomes 0.00001.
gnomAD v4.1: 9 of 1,613,664 alleles (0.00056%); highest among the groups gnomAD compares: Non-Finnish European, 0.00068%; no homozygotes.

Submissions (2):

Labcorp Genetics (formerly Invitae), Labcorp
Classification: Uncertain significance. Last evaluated: 2026-01-16. Review status: criteria provided, single submitter. Criteria: Invitae Variant Classification Sherloc (09022015). Collection method: clinical testing. Allele origin: germline.
Comment: This sequence change replaces threonine, which is neutral and polar, with serine, which is neutral and polar, at codon 110 of the EPHB4 protein (p.Thr110Ser). This variant is present in population databases (rs758680146, gnomAD 0.003%). This variant has not been reported in the literature in individuals affected with EPHB4-related conditions. ClinVar contains an entry for this variant (Variation ID: 1729923). Invitae Evidence Modeling of protein sequence and biophysical properties (such as structural, functional, and spatial information, amino acid conservation, physicochemical variation, residue mobility, and thermodynamic stability) has been performed for this missense variant. However, the output from this modeling did not meet the statistical confidence thresholds required to predict the impact of this variant on EPHB4 protein function. In summary, the available evidence is currently insufficient to determine the role of this variant in disease. Therefore, it has been classified as a Variant of Uncertain Significance.

Ambry Genetics
Classification: Uncertain significance for Cardiovascular phenotype. Last evaluated: 2021-08-10. Review status: criteria provided, single submitter. Criteria: Ambry Variant Classification Scheme 2023. Collection method: clinical testing. Allele origin: germline.
Comment: The p.T110S variant (also known as c.329C>G), located in coding exon 3 of the EPHB4 gene, results from a C to G substitution at nucleotide position 329. The threonine at codon 110 is replaced by serine, an amino acid with similar properties. This amino acid position is conserved. In addition, the in silico prediction for this alteration is inconclusive. Since supporting evidence is limited at this time, the clinical significance of this alteration remains unclear.